The following is an entry in ClinVar:

NM_032444.4(SLX4):c.1302G>A (p.Pro434=)

Gene: SLX4 (SLX4 structure-specific endonuclease subunit; minus strand). Cytogenetic location: 16p13.3.
Variant type: single nucleotide variant.
Coding change: c.1302G>A on transcript NM_032444.4 (MANE Select); coding-DNA position 1302, G replaced by A.
Protein change: p.Pro434=; no amino-acid change (proline 434 retained).
Molecular consequence: synonymous variant.
Genome position (GRCh38, 1-based): chr16:3,597,861, C>T on the plus strand (G>A on the coding strand, the complement: SLX4 is on the minus strand). VCF-style: chr16-3597861-C-T. GRCh37 (hg19) VCF-style: chr16-3647862-C-T.
Identifiers: ClinVar variation 2161727 (VCV002161727.4), dbSNP rs1008241312, ClinGen allele CA276964710.
Genomic context (GRCh38, chr16:3,597,861, plus strand): 5'-TTCTGGTCTTATCCTCTCAGAAAAGGCACTTTCCAGCCTGAGCGCTGGTACAGCCGCACC[C>T]GGCTCCATCTCCGACCGGGACAGAGCCATGGCCACCAGCAGGTCCTCGGACGGTGCCTCG-3'
Protein context (NP_115820.2, residues 424-444): AMALSRSEME[Pro434=]GAAVPALRLE

ClinVar aggregate classification (germline): Uncertain significance (1 of 4 stars; one submission).

Conditions:
Fanconi anemia (FA). Also called: Fanconi's anemia. Identifiers: Orphanet 84, MedGen C0015625, MeSH D005199, MONDO:0019391.

Allele frequency attached by ClinVar (database versions not stated): gnomAD exomes 0.00002; TOPMed 0.00002; gnomAD 0.00003.

Submission:

Labcorp Genetics (formerly Invitae), Labcorp
Classification: Uncertain significance for Fanconi anemia. Last evaluated: 2024-05-02. Review status: criteria provided, single submitter. Criteria: Invitae Variant Classification Sherloc (09022015). Collection method: clinical testing. Allele origin: germline.
Comment: This sequence change affects codon 434 of the SLX4 mRNA. It is a 'silent' change, meaning that it does not change the encoded amino acid sequence of the SLX4 protein. This variant is present in population databases (no rsID available, gnomAD 0.02%). This variant has not been reported in the literature in individuals affected with SLX4-related conditions. ClinVar contains an entry for this variant (Variation ID: 2161727). Algorithms developed to predict the effect of sequence changes on RNA splicing suggest that this variant may create or strengthen a splice site. In summary, the available evidence is currently insufficient to determine the role of this variant in disease. Therefore, it has been classified as a Variant of Uncertain Significance.